The following is an entry in ClinVar:

NM_002474.3(MYH11):c.2728C>T (p.Arg910Trp)

Gene: MYH11 (myosin heavy chain 11; minus strand). Cytogenetic location: 16p13.11.
Variant type: single nucleotide variant.
Coding change: c.2728C>T on transcript NM_002474.3 (MANE Select); coding-DNA position 2728, C replaced by T.
Protein change: p.Arg910Trp; replaces arginine 910 with tryptophan.
Molecular consequence: missense variant.
Genome position (GRCh38, 1-based): chr16:15,741,594, G>A on the plus strand (C>T on the coding strand, the complement: MYH11 is on the minus strand). VCF-style: chr16-15741594-G-A. GRCh37 (hg19) VCF-style: chr16-15835451-G-A.
Other names: c.2749C>T, p.Arg917Trp (NM_001040113.2, NM_001040114.2); c.2728C>T, p.Arg910Trp (NM_022844.3); short protein forms R910W, R917W.
Identifiers: ClinVar variation 1331836 (VCV001331836.3), dbSNP rs2041274181, ClinGen allele CA394865444.
Genomic context (GRCh38, chr16:15,741,594, plus strand): 5'-GGGCCTCCATCTCATGCAGTATCTCCTCCAGCTCCTGCTTCTTGGCCGCCAGCCGCACCC[G>A]CATCTCCTCAGCCTCTGCATACAGCTCTGTCTCTGCCTGCAGCTGTTCCTGTAGCAGGTT-3'
Protein context (NP_002465.1, residues 900-920): TELYAEAEEM[Arg910Trp]VRLAAKKQEL

ClinVar aggregate classification (germline): Uncertain significance (1 of 4 stars; one submission).

Conditions:
Familial thoracic aortic aneurysm and aortic dissection (TAAD). Also called: Thoracic aortic aneurysms and dissections. Identifiers: Orphanet 91387, MedGen C4707243, MONDO:0019625.

Allele frequency attached by ClinVar (database versions not stated): TOPMed below 0.00001.
gnomAD v4.1: 1 of 1,612,646 alleles (0.000062%); no homozygotes.

Submission:

Color Diagnostics, LLC DBA Color Health
Classification: Uncertain significance for Familial thoracic aortic aneurysm and aortic dissection. Last evaluated: 2024-03-06. Review status: criteria provided, single submitter. Criteria: ACMG Guidelines, 2015. Collection method: clinical testing. Allele origin: germline.
Comment: This missense variant replaces arginine with tryptophan at codon 917 of the MYH11 protein. Computational prediction suggests that this variant may have deleterious impact on protein structure and function (internally defined REVEL score threshold >= 0.7, PMID: 27666373). To our knowledge, functional studies have not been reported for this variant. This variant has not been reported in individuals affected with cardiovascular disorders in the literature. This variant has not been identified in the general population by the Genome Aggregation Database (gnomAD). The available evidence is insufficient to determine the role of this variant in disease conclusively. Therefore, this variant is classified as a Variant of Uncertain Significance.